The following is an entry in ClinVar:

ClinVar aggregate classification (germline): Uncertain significance (1 of 4 stars; one submission).

Conditions:
Familial cancer of breast. Also called: Hereditary breast cancer; BREAST CANCER, FAMILIAL; hereditary breast carcinoma. Identifiers: Orphanet 227535, MedGen C0346153, MONDO:0016419, OMIM 114480. Disease mechanism: loss of function.
Fanconi anemia complementation group J. Also called: BRIP1-Related Fanconi Anemia. Identifiers: Orphanet 84, MedGen C1836860, MONDO:0012187, OMIM 609054.

Submission:

Labcorp Genetics (formerly Invitae), Labcorp
Classification: Uncertain significance for Familial cancer of breast; Fanconi anemia complementation group J. Last evaluated: 2024-06-05. Review status: criteria provided, single submitter. Criteria: Invitae Variant Classification Sherloc (09022015). Collection method: clinical testing. Allele origin: germline.
Comment: This sequence change replaces lysine, which is basic and polar, with asparagine, which is neutral and polar, at codon 982 of the BRIP1 protein (p.Lys982Asn). This variant is not present in population databases (gnomAD no frequency). This variant has not been reported in the literature in individuals affected with BRIP1-related conditions. ClinVar contains an entry for this variant (Variation ID: 1466487). Algorithms developed to predict the effect of missense changes on protein structure and function output the following: SIFT: "Not Available"; PolyPhen-2: "Benign"; Align-GVGD: "Not Available". The asparagine amino acid residue is found in multiple mammalian species, which suggests that this missense change does not adversely affect protein function. In summary, the available evidence is currently insufficient to determine the role of this variant in disease. Therefore, it has been classified as a Variant of Uncertain Significance.

NM_032043.3(BRIP1):c.2946A>T (p.Lys982Asn)

Gene: BRIP1 (BRCA1 interacting DNA helicase 1; minus strand). Cytogenetic location: 17q23.2.
Variant type: single nucleotide variant.
Coding change: c.2946A>T on transcript NM_032043.3 (MANE Select); coding-DNA position 2946, A replaced by T.
Protein change: p.Lys982Asn; replaces lysine 982 with asparagine.
Molecular consequence: missense variant.
Genome position (GRCh38, 1-based): chr17:61,684,100, T>A on the plus strand (A>T on the coding strand, the complement: BRIP1 is on the minus strand). VCF-style: chr17-61684100-T-A. GRCh37 (hg19) VCF-style: chr17-59761461-T-A.
Other names: short protein forms K982N.
Identifiers: ClinVar variation 1466487 (VCV001466487.7), dbSNP rs2144093397, ClinGen allele CA400480686.